The following is an entry in ClinVar:

ClinVar aggregate classification (germline): Likely benign. Review status: criteria provided, multiple submitters, no conflicts (2 of 4 stars). 3 submissions from 3 submitters: Likely benign (2). 1 of the submissions does not count toward it. Last evaluated 2026-01-11.

Conditions:
TH-deficient dopa-responsive dystonia. Also called: Tyrosine Hydroxylase-Deficient Dopa-Responsive Dystonia; DYT-TH; Segawa syndrome, autosomal recessive. Identifiers: Orphanet 101150, MedGen C2673535, MONDO:0011551, OMIM 605407.

Allele frequency attached by ClinVar (database versions not stated): gnomAD 0.00002 and 0.00004; TOPMed 0.00004; ExAC 0.00007.

Submissions (3):

Labcorp Genetics (formerly Invitae), Labcorp
Classification: Likely benign for TH-deficient dopa-responsive dystonia. Last evaluated: 2026-01-11. Review status: criteria provided, single submitter. Criteria: Invitae Variant Classification Sherloc (09022015). Collection method: clinical testing. Allele origin: germline.

CeGaT Center for Human Genetics Tuebingen
Classification: Likely benign. Last evaluated: 2023-08-01. Review status: criteria provided, single submitter. Criteria: CeGaT Center For Human Genetics Tuebingen Variant Classification Criteria Version 2. Collection method: clinical testing. Allele origin: germline. Affected: yes. Observed: 1 variant allele.
Comment: TH: BP4, BP7

Natera, Inc.
Classification: Likely benign for Autosomal recessive Segawa syndrome. Last evaluated: 2020-09-16. Review status: no assertion criteria provided. Collection method: clinical testing. Allele origin: germline. Not counted in ClinVar's aggregate classification.

NM_000360.4(TH):c.1377C>T (p.Phe459=)

Gene: TH (tyrosine hydroxylase; minus strand). Cytogenetic location: 11p15.5.
Variant type: single nucleotide variant.
Coding change: c.1377C>T on transcript NM_000360.4 (MANE Select); coding-DNA position 1377, C replaced by T.
Protein change: p.Phe459=; no amino-acid change (phenylalanine 459 retained).
Molecular consequence: synonymous variant.
Genome position (GRCh38, 1-based): chr11:2,164,350, G>A on the plus strand (C>T on the coding strand, the complement: TH is on the minus strand). VCF-style: chr11-2164350-G-A. GRCh37 (hg19) VCF-style: chr11-2185580-G-A.
Other names: c.1470C>T, p.Phe490= (NM_199292.3); c.1458C>T, p.Phe486= (NM_199293.3).
Identifiers: ClinVar variation 772206 (VCV000772206.36), dbSNP rs575305786, ClinGen allele CA5818261.